The following is an entry in ClinVar:

ClinVar aggregate classification (germline): Uncertain significance (1 of 4 stars; one submission).

Allele frequency attached by ClinVar (database versions not stated): gnomAD exomes 0.00002; ExAC 0.00003; gnomAD 0.00011; 1000 Genomes Project 30x 0.00016; 1000 Genomes Project 0.00020; ESP Exome Variant Server 0.00023; TOPMed 0.00023.
gnomAD v4.1: 45 of 1,614,184 alleles (0.0028%); highest among the groups gnomAD compares: African/African-American, 0.052%; no homozygotes.

Submission:

Labcorp Genetics (formerly Invitae), Labcorp
Classification: Uncertain significance. Last evaluated: 2025-04-08. Review status: criteria provided, single submitter. Criteria: Invitae Variant Classification Sherloc (09022015). Collection method: clinical testing. Allele origin: germline.
Comment: This sequence change replaces glutamine, which is neutral and polar, with glutamic acid, which is acidic and polar, at codon 135 of the KLC2 protein (p.Gln135Glu). This variant is present in population databases (rs150052320, gnomAD 0.07%), and has an allele count higher than expected for a pathogenic variant. This variant has not been reported in the literature in individuals affected with KLC2-related conditions. ClinVar contains an entry for this variant (Variation ID: 2176600). An algorithm developed to predict the effect of missense changes on protein structure and function (PolyPhen-2) suggests that this variant is likely to be tolerated. In summary, the available evidence is currently insufficient to determine the role of this variant in disease. Therefore, it has been classified as a Variant of Uncertain Significance.

NM_001318734.2(KLC2):c.403C>G (p.Gln135Glu)

Genes: KLC2 (kinesin light chain 2; plus strand), KLC2-AS1 (KLC2 antisense RNA 1; minus strand). Cytogenetic location: 11q13.2.
Variant type: single nucleotide variant.
Coding change: c.403C>G on transcript NM_001318734.2 (MANE Select); coding-DNA position 403, C replaced by G.
Protein change: p.Gln135Glu; replaces glutamine 135 with glutamic acid.
Molecular consequence: missense variant. On other transcripts: intron variant (1).
Genome position (GRCh38, 1-based): chr11:66,261,916, C>G. VCF-style: chr11-66261916-C-G. GRCh37 (hg19) VCF-style: chr11-66029387-C-G.
Other names: c.403C>G, p.Gln135Glu (NM_001134775.2, NM_001134776.2, NM_022822.3); c.229-207C>G (NM_001134774.2); short protein forms Q135E.
Identifiers: ClinVar variation 2176600 (VCV002176600.4), dbSNP rs150052320, ClinGen allele CA6117062.